The following is an entry in ClinVar:

NM_004369.4(COL6A3):c.4093G>A (p.Ala1365Thr)

Gene: COL6A3 (collagen type VI alpha 3 chain; minus strand). Cytogenetic location: 2q37.3.
Variant type: single nucleotide variant.
Coding change: c.4093G>A on transcript NM_004369.4 (MANE Select); coding-DNA position 4093, G replaced by A.
Protein change: p.Ala1365Thr; replaces alanine 1365 with threonine.
Molecular consequence: missense variant.
Genome position (GRCh38, 1-based): chr2:237,371,924, C>T on the plus strand (G>A on the coding strand, the complement: COL6A3 is on the minus strand). VCF-style: chr2-237371924-C-T. GRCh37 (hg19) VCF-style: chr2-238280567-C-T.
Other names: c.2872G>A, p.Ala958Thr (NM_057164.5); c.3475G>A, p.Ala1159Thr (NM_057165.5, NM_057167.4); c.2272G>A, p.Ala758Thr (NM_057166.5); short protein forms A758T, A958T, A1159T, A1365T.
Identifiers: ClinVar variation 958921 (VCV000958921.11), dbSNP rs1460462771, ClinGen allele CA351197045.

ClinVar aggregate classification (germline): Uncertain significance. Review status: criteria provided, multiple submitters, no conflicts (2 of 4 stars). 2 submissions from 2 submitters: Uncertain significance (2). Last evaluated 2025-11-10.

Conditions:
Inborn genetic diseases. Identifiers: MedGen C0950123, MeSH D030342.
Bethlem myopathy 1A. Also called: Bethlem Muscular Dystrophy; Bethlem myopathy 1; MYOPATHY, BENIGN CONGENITAL, WITH CONTRACTURES. Identifiers: Orphanet 610, MedGen CN029274, MONDO:0024530, OMIM 158810.

Submissions (2):

Labcorp Genetics (formerly Invitae), Labcorp
Classification: Uncertain significance for Bethlem myopathy 1A. Last evaluated: 2025-11-10. Review status: criteria provided, single submitter. Criteria: Invitae Variant Classification Sherloc (09022015). Collection method: clinical testing. Allele origin: germline.
Comment: This sequence change replaces alanine, which is neutral and non-polar, with threonine, which is neutral and polar, at codon 1365 of the COL6A3 protein (p.Ala1365Thr). The frequency data for this variant in the population databases is considered unreliable, as metrics indicate poor data quality at this position in the gnomAD database. This variant has not been reported in the literature in individuals affected with COL6A3-related conditions. ClinVar contains an entry for this variant (Variation ID: 958921). Invitae Evidence Modeling of protein sequence and biophysical properties (such as structural, functional, and spatial information, amino acid conservation, physicochemical variation, residue mobility, and thermodynamic stability) indicates that this missense variant is not expected to disrupt COL6A3 protein function with a negative predictive value of 80%. In summary, the available evidence is currently insufficient to determine the role of this variant in disease. Therefore, it has been classified as a Variant of Uncertain Significance.

Ambry Genetics
Classification: Uncertain significance for Inborn genetic diseases. Last evaluated: 2025-04-25. Review status: criteria provided, single submitter. Criteria: Ambry Variant Classification Scheme 2023. Collection method: clinical testing. Allele origin: germline.